The following is an entry in ClinVar:

NM_018133.4(MSL2):c.1712_1713dup (p.Asp572Ter)

Gene: MSL2 (MSL complex subunit 2; minus strand). Cytogenetic location: 3q22.3.
Variant type: Microsatellite.
Coding change: c.1712_1713dup on transcript NM_018133.4 (MANE Select); coding-DNA positions 1712 to 1713, 2 bases duplicated (TA; older notation c.1712_1713dupTA).
Protein change: p.Asp572Ter; replaces aspartic acid 572 with a stop codon.
Molecular consequence: nonsense.
Genome position (GRCh38, 1-based): chr3:136,151,168-136,151,169, TA duplicated on the plus strand (TA on the coding strand, the reverse complement: MSL2 is on the minus strand); duplicating any 2 consecutive bases within chr3:136,151,168-136,151,171 gives the same sequence; the c. name uses the placement nearest the transcript's 3' end. VCF-style (leftmost placement, unchanged base first): chr3-136151167-C-CTA. GRCh37 (hg19) VCF-style: chr3-135870009-C-CTA.
Other names: c.1490_1491dup, p.Asp498Ter (NM_001145417.2); short protein forms D498*, D572*.
Identifiers: ClinVar variation 4291722 (VCV004291722.1).

ClinVar aggregate classification (germline): Uncertain significance (1 of 4 stars; one submission).

Conditions:
Karayol-Borroto-Haghshenas neurodevelopmental syndrome. Identifiers: MedGen C5975476, MONDO:0975836, OMIM 620985.

Submission:

3billion
Classification: Uncertain significance for Karayol-Borroto-Haghshenas neurodevelopmental syndrome. Last evaluated: 2024-12-06. Review status: criteria provided, single submitter. Criteria: ACMG Guidelines, 2015. Collection method: clinical testing. Allele origin: germline. Affected: yes.
Comment: The variant is not observed in the gnomAD v4.1.0 dataset. Predicted Consequence/Location: Stop-gained (nonsense): predicted to result in a loss or disruption of normal protein function through protein truncation. The predicted truncated protein may be shortened by less than 10%. Therefore, this variant is classified as VUS according to the recommendation of ACMG/AMP guideline.